The following is an entry in ClinVar:

NM_001267550.2(TTN):c.33479C>T (p.Thr11160Ile)

Gene: TTN (titin; minus strand). Cytogenetic location: 2q31.2.
Variant type: single nucleotide variant.
Coding change: c.33479C>T on transcript NM_001267550.2 (MANE Select); coding-DNA position 33479, C replaced by T.
Protein change: p.Thr11160Ile; replaces threonine 11160 with isoleucine.
Molecular consequence: missense variant. On other transcripts: intron variant (3).
Genome position (GRCh38, 1-based): chr2:178,679,995, G>A on the plus strand (C>T on the coding strand, the complement: TTN is on the minus strand). VCF-style: chr2-178679995-G-A. GRCh37 (hg19) VCF-style: chr2-179544722-G-A.
Other names: c.29747C>T, p.Thr9916Ile (NM_133378.4); c.32528C>T, p.Thr10843Ile (NM_001256850.1); c.13283-37678C>T (NM_003319.4); c.13859-37678C>T (NM_133437.4); c.13658-37678C>T (NM_133432.3); short protein forms T11160I, T9916I, T10843I.
Identifiers: ClinVar variation 229423 (VCV000229423.5), dbSNP rs876658055, ClinGen allele CA10576540.

ClinVar aggregate classification (germline): Uncertain significance (1 of 4 stars; one submission).

Allele frequency attached by ClinVar (database versions not stated): gnomAD exomes below 0.00001.
gnomAD v4.1: 13 of 1,613,078 alleles (0.00081%); highest among the groups gnomAD compares: Middle Eastern, 0.066%; no homozygotes.

Submission:

Laboratory for Molecular Medicine, Mass General Brigham Personalized Medicine
Classification: Uncertain significance. Last evaluated: 2015-07-29. Review status: criteria provided, single submitter. Criteria: LMM Criteria. Collection method: clinical testing. Allele origin: germline. Observed: 1 variant allele.
Comment: The p.Thr9916Ile variant in TTN has not been previously reported in individuals with cardiomyopathy or in large population studies. Computational prediction too ls and conservation analysis suggest that this variant may not impact the protei n, though this information is not predictive enough to rule out pathogenicity. I n summary, the clinical significance of the p.Thr9916Ile variant is uncertain.